The following is an entry in ClinVar:

ClinVar aggregate classification (germline): Uncertain significance (1 of 4 stars; one submission).

Submission:

Labcorp Genetics (formerly Invitae), Labcorp
Classification: Uncertain significance. Last evaluated: 2024-06-11. Review status: criteria provided, single submitter. Criteria: Invitae Variant Classification Sherloc (09022015). Collection method: clinical testing. Allele origin: germline.
Comment: This sequence change replaces cysteine, which is neutral and slightly polar, with arginine, which is basic and polar, at codon 258 of the FN1 protein (p.Cys258Arg). This variant is not present in population databases (gnomAD no frequency). This variant has not been reported in the literature in individuals affected with FN1-related conditions. ClinVar contains an entry for this variant (Variation ID: 1718797). Advanced modeling of protein sequence and biophysical properties (such as structural, functional, and spatial information, amino acid conservation, physicochemical variation, residue mobility, and thermodynamic stability) performed at Invitae indicates that this missense variant is expected to disrupt FN1 protein function with a positive predictive value of 80%. In summary, the available evidence is currently insufficient to determine the role of this variant in disease. Therefore, it has been classified as a Variant of Uncertain Significance.

NM_212482.4(FN1):c.772T>C (p.Cys258Arg)

Gene: FN1 (fibronectin 1; minus strand). Cytogenetic location: 2q35.
Variant type: single nucleotide variant.
Coding change: c.772T>C on transcript NM_212482.4 (MANE Select); coding-DNA position 772, T replaced by C.
Protein change: p.Cys258Arg; replaces cysteine 258 with arginine.
Molecular consequence: missense variant.
Genome position (GRCh38, 1-based): chr2:215,428,252, A>G on the plus strand (T>C on the coding strand, the complement: FN1 is on the minus strand). VCF-style: chr2-215428252-A-G. GRCh37 (hg19) VCF-style: chr2-216292975-A-G.
Other names: c.772T>C, p.Cys258Arg (NM_001306129.2, NM_001306130.2, NM_001306131.2 and 14 more transcripts); short protein forms C258R.
Identifiers: ClinVar variation 1718797 (VCV001718797.5), dbSNP rs2470466266, ClinGen allele CA350473838.